The following is an entry in ClinVar:

ClinVar aggregate classification (germline): Conflicting classifications of pathogenicity. Review status: criteria provided, conflicting classifications (1 of 4 stars). 2 submissions from 2 submitters: Uncertain significance (1); Likely benign (1). Last evaluated 2024-10-14.

Allele frequency attached by ClinVar (database versions not stated): ExAC 0.00001; gnomAD exomes 0.00001.
gnomAD v4.1: 10 of 1,612,864 alleles (0.00062%); highest among the groups gnomAD compares: Admixed American, 0.005%; no homozygotes.

Submissions (2):

GeneDx
Classification: Uncertain significance. Last evaluated: 2024-10-14. Review status: criteria provided, single submitter. Criteria: GeneDx Variant Classification Process June 2021. Collection method: clinical testing. Allele origin: germline. Affected: yes.
Comment: See Variant Classification Assertion Criteria.

Labcorp Genetics (formerly Invitae), Labcorp
Classification: Likely benign. Last evaluated: 2023-09-27. Review status: criteria provided, single submitter. Criteria: Invitae Variant Classification Sherloc (09022015). Collection method: clinical testing. Allele origin: germline.

NM_032119.4(ADGRV1):c.14553A>G (p.Gln4851=)

Gene: ADGRV1 (adhesion G protein-coupled receptor V1; plus strand). Cytogenetic location: 5q14.3.
Variant type: single nucleotide variant.
Coding change: c.14553A>G on transcript NM_032119.4 (MANE Select); coding-DNA position 14553, A replaced by G.
Protein change: p.Gln4851=; no amino-acid change (glutamine 4851 retained).
Molecular consequence: synonymous variant. On other transcripts: non-coding transcript variant (1).
Genome position (GRCh38, 1-based): chr5:90,802,774, A>G. VCF-style: chr5-90802774-A-G. GRCh37 (hg19) VCF-style: chr5-90098591-A-G.
Other names: c.14553A>G (NM_032119.3).
Identifiers: ClinVar variation 1412835 (VCV001412835.9), dbSNP rs765459820, ClinGen allele CA3341757.